The following is an entry in ClinVar:

NM_144672.4(OTOA):c.2774A>T (p.Gln925Leu)

Gene: OTOA (otoancorin). Cytogenetic location: 16p12.2.
Variant type: single nucleotide variant.
Coding change: c.2774A>T on transcript NM_144672.4 (MANE Select); coding-DNA position 2774, A replaced by T.
Protein change: p.Gln925Leu; replaces glutamine 925 with leucine.
Molecular consequence: missense variant.
Genome position (GRCh38, 1-based): chr16:21,745,035, A>T. VCF-style: chr16-21745035-A-T. GRCh37 (hg19) VCF-style: chr16-21756356-A-T.
Other names: c.2537A>T, p.Gln846Leu (NM_001161683.2); c.1802A>T, p.Gln601Leu (NM_170664.3); short protein forms Q601L, Q846L, Q925L.
Identifiers: ClinVar variation 3029705 (VCV003029705.3), dbSNP rs1415229558, ClinGen allele CA395065223.

ClinVar aggregate classification (germline): Uncertain significance (1 of 4 stars; one submission).

Conditions:
OTOA-related disorder. Also called: OTOA-related condition.

Submission:

PreventionGenetics, part of Exact Sciences
Classification: Uncertain significance for OTOA-related condition. Last evaluated: 2026-04-24. Review status: criteria provided, single submitter. Criteria: ACMG Guidelines, 2015. Collection method: clinical testing. Allele origin: germline.
Comment: The OTOA c.2774A>T variant is predicted to result in the amino acid substitution p.Gln925Leu. To our knowledge, this variant has not been reported in the literature or in a large population database (gnomAD), indicating this variant is rare. At this time, the clinical significance of this variant is uncertain due to the absence of conclusive functional and genetic evidence.